The following is an entry in ClinVar:

NM_144596.4(TTC8):c.183G>A (p.Met61Ile)

Gene: TTC8 (tetratricopeptide repeat domain 8; plus strand). Cytogenetic location: 14q31.3.
Variant type: single nucleotide variant.
Coding change: c.183G>A on transcript NM_144596.4 (MANE Select); coding-DNA position 183, G replaced by A.
Protein change: p.Met61Ile; replaces methionine 61 with isoleucine.
Molecular consequence: missense variant. On other transcripts: 5 prime UTR variant (2), non-coding transcript variant (1).
Genome position (GRCh38, 1-based): chr14:88,839,490, G>A. VCF-style: chr14-88839490-G-A. GRCh37 (hg19) VCF-style: chr14-89305834-G-A.
Other names: c.153G>A, p.Met51Ile (NM_001288781.1, NM_001366535.2, NM_001366536.2 and 2 more transcripts); c.-410G>A (NM_001288782.1); c.-505G>A (NM_001288783.1); short protein forms M61I, M51I.
Identifiers: ClinVar variation 2110254 (VCV002110254.5), dbSNP rs2094769624, ClinGen allele CA390572551.

ClinVar aggregate classification (germline): Uncertain significance. Review status: criteria provided, multiple submitters, no conflicts (2 of 4 stars). 2 submissions from 2 submitters: Uncertain significance (2). Last evaluated 2022-06-08.

Conditions:
Bardet-Biedl syndrome (BBS). Identifiers: Orphanet 110, MedGen C0752166, MONDO:0015229.

Allele frequency attached by ClinVar (database versions not stated): gnomAD exomes below 0.00001; TOPMed below 0.00001; gnomAD 0.00001.
gnomAD v4.1: 4 of 1,613,032 alleles (0.00025%); highest among the groups gnomAD compares: Non-Finnish European, 0.00025%; no homozygotes.

Submissions (2):

Labcorp Genetics (formerly Invitae), Labcorp
Classification: Uncertain significance for Bardet-Biedl syndrome. Last evaluated: 2022-06-08. Review status: criteria provided, single submitter. Criteria: Invitae Variant Classification Sherloc (09022015). Collection method: clinical testing. Allele origin: germline.
Comment: In summary, the available evidence is currently insufficient to determine the role of this variant in disease. Therefore, it has been classified as a Variant of Uncertain Significance. This sequence change replaces methionine, which is neutral and non-polar, with isoleucine, which is neutral and non-polar, at codon 51 of the TTC8 protein (p.Met51Ile). Algorithms developed to predict the effect of missense changes on protein structure and function (SIFT, PolyPhen-2, Align-GVGD) all suggest that this variant is likely to be tolerated. This variant has not been reported in the literature in individuals affected with TTC8-related conditions. This variant is not present in population databases (gnomAD no frequency).

Blueprint Genetics
Classification: Uncertain significance. Last evaluated: 2019-08-09. Review status: criteria provided, single submitter. Criteria: ACMG Guidelines, 2015. Collection method: clinical testing. Allele origin: germline.